The following is an entry in ClinVar:

ClinVar aggregate classification (germline): Conflicting classifications of pathogenicity. Review status: criteria provided, conflicting classifications (1 of 4 stars). 4 submissions from 4 submitters: Uncertain significance (3); Benign (1). Last evaluated 2025-07-14.

Conditions:
Exostoses, multiple, type 2 (EXT2). Also called: Hereditary Multiple Osteochondromatosis, Type II; EXOSTOSES, MULTIPLE, TYPE II. Identifiers: Orphanet 321, MedGen C1851413, MONDO:0007586, OMIM 133701.
Seizures-scoliosis-macrocephaly syndrome. Also called: Seizures, scoliosis, and macrocephaly syndrome; SEIZURES, SCOLIOSIS, AND MACROCEPHALY/MICROCEPHALY SYNDROME. Identifiers: Orphanet 466926, MedGen C4225248, MONDO:0014731, OMIM 616682.

Allele frequency attached by ClinVar (database versions not stated): ESP Exome Variant Server 0.00008; gnomAD exomes 0.00010 and 0.00014; ExAC 0.00011; TOPMed 0.00017; gnomAD 0.00021.
gnomAD v4.1: 236 of 1,613,972 alleles (0.015%); highest among the groups gnomAD compares: Admixed American, 0.025%; no homozygotes.

Submissions (4):

Labcorp Genetics (formerly Invitae), Labcorp
Classification: Benign for Exostoses, multiple, type 2. Last evaluated: 2025-07-14. Review status: criteria provided, single submitter. Criteria: Invitae Variant Classification Sherloc (09022015). Collection method: clinical testing. Allele origin: germline.

Fulgent Genetics
Classification: Uncertain significance for Exostoses, multiple, type 2; Seizures-scoliosis-macrocephaly syndrome. Last evaluated: 2024-02-18. Review status: criteria provided, single submitter. Criteria: ACMG Guidelines, 2015. Collection method: clinical testing. Allele origin: germline.

St. Jude Molecular Pathology, St. Jude Children's Research Hospital
Classification: Uncertain significance for Exostoses, multiple, type 2. Last evaluated: 2023-01-24. Review status: criteria provided, single submitter. Criteria: St. Jude Assertion Criteria 2020. Collection method: clinical testing. Allele origin: germline.
Comment: The EXT2 c.1825G>A (p.Glu609Lys) missense change has a maximum subpopulation frequency of 0.019% in gnomAD v2.1.1. The in silico tool REVEL is inconclusive about a pathogenic or benign effect of this variant on protein function, and to our knowledge functional studies have not been performed. This variant has been reported in an individual with sporadic solitary osteochondroma (PMID:11668521). To our knowledge, this variant has not been reported in individuals with hereditary multiple exostoses. In summary, the evidence currently available is insufficient to determine the clinical significance of this variant. It has therefore been classified as of uncertain significance.

Illumina Laboratory Services, Illumina
Classification: Uncertain significance for Exostoses, multiple, type 2. Last evaluated: 2017-04-27. Review status: criteria provided, single submitter. Criteria: ICSL Variant Classification Criteria 13 December 2019. Collection method: clinical testing. Allele origin: germline.

NM_207122.2(EXT2):c.1726G>A (p.Glu576Lys)

Gene: EXT2 (exostosin glycosyltransferase 2; plus strand). Cytogenetic location: 11p11.2.
Variant type: single nucleotide variant.
Coding change: c.1726G>A on transcript NM_207122.2 (MANE Select); coding-DNA position 1726, G replaced by A.
Protein change: p.Glu576Lys; replaces glutamic acid 576 with lysine.
Molecular consequence: missense variant.
Genome position (GRCh38, 1-based): chr11:44,232,416, G>A. VCF-style: chr11-44232416-G-A. GRCh37 (hg19) VCF-style: chr11-44253966-G-A.
Other names: c.1825G>A, p.Glu609Lys (NM_000401.3); c.1756G>A, p.Glu586Lys (NM_001178083.3); c.1726G>A, p.Glu576Lys (NM_001389628.1, NM_001389630.1); short protein forms E576K, E586K, E609K.
Identifiers: ClinVar variation 840828 (VCV000840828.12), dbSNP rs373582542, ClinGen allele CA5955342.